The following is an entry in ClinVar:

ClinVar aggregate classification (germline): Likely benign (1 of 4 stars; one submission).

Allele frequency attached by ClinVar (database versions not stated): gnomAD 0.01825 and 0.02127; TOPMed 0.02033; 1000 Genomes Project 30x 0.03264; 1000 Genomes Project 0.03494.
gnomAD v4.1: 3,227 of 152,304 alleles (2.1%); highest among the groups gnomAD compares: South Asian, 9.2%; 54 homozygotes.

Submission:

GeneDx
Classification: Likely benign. Last evaluated: 2018-06-18. Review status: criteria provided, single submitter. Criteria: GeneDx Variant Classification (06012015). Collection method: clinical testing. Allele origin: germline. Affected: yes.
Comment: This variant is considered likely benign or benign based on one or more of the following criteria: it is a conservative change, it occurs at a poorly conserved position in the protein, it is predicted to be benign by multiple in silico algorithms, and/or has population frequency not consistent with disease.

NM_016006.6(ABHD5):c.774-296A>G

Gene: ABHD5 (abhydrolase domain containing 5, lysophosphatidic acid acyltransferase; plus strand). Cytogenetic location: 3p21.33.
Variant type: single nucleotide variant.
Coding change: c.774-296A>G on transcript NM_016006.6 (MANE Select); 296 bases into the intron before coding-DNA position 774, A replaced by G.
Molecular consequence: intron variant.
Genome position (GRCh38, 1-based): chr3:43,717,375, A>G. VCF-style: chr3-43717375-A-G. GRCh37 (hg19) VCF-style: chr3-43758867-A-G.
Other names: c.774-1068A>G (NM_001365650.1); c.774-296A>G (NM_001355186.2); c.651-296A>G (NM_001365649.1).
Identifiers: ClinVar variation 673915 (VCV000673915.1), dbSNP rs75936437, ClinGen allele CA74393166.